The following is an entry in ClinVar:

NM_024884.3(L2HGDH):c.293A>G (p.His98Arg)

Gene: L2HGDH (L-2-hydroxyglutarate dehydrogenase; minus strand). Cytogenetic location: 14q21.3.
Variant type: single nucleotide variant.
Coding change: c.293A>G on transcript NM_024884.3 (MANE Select); coding-DNA position 293, A replaced by G.
Protein change: p.His98Arg; replaces histidine 98 with arginine.
Molecular consequence: missense variant.
Genome position (GRCh38, 1-based): chr14:50,302,132, T>C on the plus strand (A>G on the coding strand, the complement: L2HGDH is on the minus strand). VCF-style: chr14-50302132-T-C. GRCh37 (hg19) VCF-style: chr14-50768850-T-C.
Other names: L2HGDH, HIS98ARG; short protein forms H98R.
Identifiers: ClinVar variation 1612 (VCV000001612.5), dbSNP rs267607206, ClinGen allele CA115109.

ClinVar aggregate classification (germline): Pathogenic/Likely pathogenic. Review status: criteria provided, multiple submitters, no conflicts (2 of 4 stars). 3 submissions from 3 submitters: Pathogenic (1); Likely pathogenic (1). 1 of the submissions does not count toward it. Last evaluated 2024-08-01.

Conditions:
L-2-hydroxyglutaric aciduria (L2HGA). Identifiers: Orphanet 79314, MedGen C1855995, MONDO:0009370, OMIM 236792, HP:0040144.

Allele frequency attached by ClinVar (database versions not stated): gnomAD 0.00001; TOPMed below 0.00001.
gnomAD v4.1: 4 of 1,614,018 alleles (0.00025%); highest among the groups gnomAD compares: Non-Finnish European, 0.00025%; no homozygotes.

Submissions (3):

Labcorp Genetics (formerly Invitae), Labcorp
Classification: Pathogenic for L-2-hydroxyglutaric aciduria. Last evaluated: 2024-08-01. Review status: criteria provided, single submitter. Criteria: Invitae Variant Classification Sherloc (09022015). Collection method: clinical testing. Allele origin: germline.
Comment: This sequence change replaces histidine, which is basic and polar, with arginine, which is basic and polar, at codon 98 of the L2HGDH protein (p.His98Arg). This variant is not present in population databases (gnomAD no frequency). This missense change has been observed in individuals with L-2-hydroxyglutaric aciduria (PMID: 16134148, 34330727). ClinVar contains an entry for this variant (Variation ID: 1612). Advanced modeling of protein sequence and biophysical properties (such as structural, functional, and spatial information, amino acid conservation, physicochemical variation, residue mobility, and thermodynamic stability) performed at Invitae indicates that this missense variant is expected to disrupt L2HGDH protein function with a positive predictive value of 80%. For these reasons, this variant has been classified as Pathogenic.

GeneDx
Classification: Likely pathogenic. Last evaluated: 2017-10-05. Review status: criteria provided, single submitter. Criteria: GeneDx Variant Classification (06012015). Collection method: clinical testing. Allele origin: germline. Affected: yes.
Comment: The H98R variant in the L2HGDH gene has been reported previously in the heterozygous state, in the presence of a second L2HGDH variant, and in the homozygous state, in multiple unrelated individuals with L-2-hydroxyglutaric aciduria, intellectual disability, and leukodystrophy (Vilarinho et al., 2005; Vilarinho et al., 2010). A different missense variant at the same residue, H98Y, has also been reported in the homozygous state in individuals with L-2-hydroxyglutaric aciduria (TopÃ§u et al., 2004; Haliloglu et al., 2008). The H98R variant is not observed in large population cohorts (Lek et al., 2016). The H98R variant is a conservative amino acid substitution, which is not likely to impact secondary protein structure as these residues share similar properties. This substitution occurs at a position that is conserved across species and in silico analysis predicts this variant is probably damaging to the protein structure/function. We interpret H98R as a likely pathogenic variant.

OMIM
Classification: Pathogenic for L-2-HYDROXYGLUTARIC ACIDURIA. Last evaluated: 2010-01-01. Review status: no assertion criteria provided. Collection method: literature only. Allele origin: germline. Not counted in ClinVar's aggregate classification.

Literature cited by the submitters: PubMed 16134148 (cited by Labcorp Genetics (formerly Invitae), Labcorp); PubMed 34330727 (cited by Labcorp Genetics (formerly Invitae), Labcorp); PubMed 19911013 (cited by OMIM).